The following is an entry in ClinVar:

ClinVar aggregate classification (germline): Conflicting classifications of pathogenicity. Review status: criteria provided, conflicting classifications (1 of 4 stars). 5 submissions from 5 submitters: Uncertain significance (1); Benign (1); Likely benign (2). 1 of the submissions does not count toward it. Last evaluated 2026-06-01.

Conditions:
XYLT2-related disorder. Also called: XYLT2-related condition.
Inborn genetic diseases. Identifiers: MedGen C0950123, MeSH D030342.
Osteogenesis imperfecta (OI). Identifiers: Orphanet 666, MedGen C0029434, MeSH D010013, MONDO:0019019.

Allele frequency attached by ClinVar (database versions not stated): gnomAD 0.00002 and 0.00023; TOPMed 0.00010; gnomAD exomes 0.00095; ExAC 0.00112; 1000 Genomes Project 0.00120; 1000 Genomes Project 30x 0.00187.
gnomAD v4.1: 727 of 1,611,050 alleles (0.045%); highest among the groups gnomAD compares: South Asian, 0.72%; 6 homozygotes.

Submissions (5):

CeGaT Center for Human Genetics Tuebingen
Classification: Likely benign. Last evaluated: 2026-06-01. Review status: criteria provided, single submitter. Criteria: CeGaT Center For Human Genetics Tuebingen Variant Classification Criteria Version 2. Collection method: clinical testing. Allele origin: germline. Affected: yes. Observed: 1 variant allele.
Comment: XYLT2: BP4, BS2

Labcorp Genetics (formerly Invitae), Labcorp
Classification: Benign. Last evaluated: 2025-11-05. Review status: criteria provided, single submitter. Criteria: Invitae Variant Classification Sherloc (09022015). Collection method: clinical testing. Allele origin: germline.

Ambry Genetics
Classification: Uncertain significance for Inborn genetic diseases. Last evaluated: 2024-12-06. Review status: criteria provided, single submitter. Criteria: Ambry Variant Classification Scheme 2023. Collection method: clinical testing. Allele origin: germline.

Genome Diagnostics Laboratory, The Hospital for Sick Children
Classification: Likely benign for Osteogenesis imperfecta. Last evaluated: 2020-09-28. Review status: criteria provided, single submitter. Criteria: ACMG Guidelines, 2015. Collection method: clinical testing. Allele origin: germline.

PreventionGenetics, part of Exact Sciences
Classification: Likely benign for XYLT2-related condition. Last evaluated: 2022-06-09. Review status: no assertion criteria provided. Collection method: clinical testing. Allele origin: germline. Not counted in ClinVar's aggregate classification.
Comment: This variant is classified as likely benign based on ACMG/AMP sequence variant interpretation guidelines (Richards et al. 2015 PMID: 25741868, with internal and published modifications).

NM_022167.4(XYLT2):c.660G>C (p.Glu220Asp)

Gene: XYLT2 (xylosyltransferase 2; plus strand). Cytogenetic location: 17q21.33.
Variant type: single nucleotide variant.
Coding change: c.660G>C on transcript NM_022167.4 (MANE Select); coding-DNA position 660, G replaced by C.
Protein change: p.Glu220Asp; replaces glutamic acid 220 with aspartic acid.
Molecular consequence: missense variant.
Genome position (GRCh38, 1-based): chr17:50,354,439, G>C. VCF-style: chr17-50354439-G-C. GRCh37 (hg19) VCF-style: chr17-48431800-G-C.
Other names: short protein forms E220D.
Identifiers: ClinVar variation 1627434 (VCV001627434.18), dbSNP rs571962145, ClinGen allele CA8646234.